The following is an entry in ClinVar:

NM_024077.5(SECISBP2):c.1981C>T (p.Gln661Ter)

Gene: SECISBP2 (SECIS binding protein 2; plus strand). Cytogenetic location: 9q22.2.
Variant type: single nucleotide variant.
Coding change: c.1981C>T on transcript NM_024077.5 (MANE Select); coding-DNA position 1981, C replaced by T.
Protein change: p.Gln661Ter; replaces glutamine 661 with a stop codon.
Molecular consequence: nonsense.
Genome position (GRCh38, 1-based): chr9:89,350,720, C>T. VCF-style: chr9-89350720-C-T. GRCh37 (hg19) VCF-style: chr9-91965635-C-T.
Other names: c.1978C>T, p.Gln660Ter (NM_001282688.2); c.1762C>T, p.Gln588Ter (NM_001282689.2); c.1777C>T, p.Gln593Ter (NM_001282690.1); c.1864C>T, p.Gln622Ter (NM_001354696.2); c.1867C>T, p.Gln623Ter (NM_001354697.2); c.1774C>T, p.Gln592Ter (NM_001354698.2); c.1096C>T, p.Gln366Ter (NM_001354702.2); short protein forms Q366*, Q588*, Q592*, Q593*, Q622*, Q623*, Q660*, Q661*.
Identifiers: ClinVar variation 5007470 (VCV005007470.2).

ClinVar aggregate classification (germline): Likely pathogenic (1 of 4 stars; one submission).

Conditions:
Thyroid hormone metabolism, abnormal 1 (THMA1). Also called: Short stature-delayed bone age due to thyroid hormone metabolism deficiency. Identifiers: Orphanet 171706, MedGen C5676891, MONDO:0800046, OMIM 609698.

gnomAD v4.1: 1 of 1,614,058 alleles (0.000062%); highest among the groups gnomAD compares: African/African-American, 0.0013%; no homozygotes.

Submission:

Juno Genomics, Hangzhou Juno Genomics, Inc
Classification: Likely pathogenic for Thyroid hormone metabolism, abnormal 1. Review status: criteria provided, single submitter. Criteria: ACMG Guidelines, 2015. Collection method: clinical testing. Allele origin: germline.
Comment: Null variant in a gene where loss of function (LOF) is a known mechanism of disease.;Absent from controls (or at extremely low frequency if recessive) in Genome Aggregation Database.